The following is an entry in ClinVar:

NM_001848.3(COL6A1):c.-19G>A

Gene: COL6A1 (collagen type VI alpha 1 chain; plus strand). Cytogenetic location: 21q22.3.
Variant type: single nucleotide variant.
Coding change: c.-19G>A on transcript NM_001848.3 (MANE Select); 19 bases upstream of the start codon, G replaced by A.
Molecular consequence: 5 prime UTR variant.
Genome position (GRCh38, 1-based): chr21:45,981,832, G>A. VCF-style: chr21-45981832-G-A. GRCh37 (hg19) VCF-style: chr21-47401746-G-A.
Identifiers: ClinVar variation 3251454 (VCV003251454.1), dbSNP rs370096177.
Genomic context (GRCh38, chr21:45,981,832, plus strand): 5'-AAGGCAGCCTCGGTCTCTGGGCGGCGGCGGCGGCCCACTCTGCCCTGGCCGCGCTGTGTG[G>A]TGACCGCAGGCCCCAGACATGAGGGCGGCCCGTGCTCTGCTGCCCCTGCTGCTGCAGGCC-3'

ClinVar aggregate classification (germline): Uncertain significance (1 of 4 stars; one submission).

Allele frequency attached by ClinVar (database versions not stated): gnomAD 0.00001; TOPMed 0.00001; ExAC 0.00005; ESP Exome Variant Server 0.00008; 1000 Genomes Project 30x 0.00016; 1000 Genomes Project 0.00020.

Submission:

Women's Health and Genetics/Laboratory Corporation of America, LabCorp
Classification: Uncertain significance. Last evaluated: 2024-04-08. Review status: criteria provided, single submitter. Criteria: LabCorp Variant Classification Summary - May 2015. Collection method: clinical testing. Allele origin: germline.
Comment: Variant summary: COL6A1 c.-19G>A is located in the untranslated mRNA region upstream of the initiation codon. The frequency data for this variant in gnomAD is considered unreliable, as metrics indicate poor data quality at this position. To our knowledge, no occurrence of c.-19G>A in individuals affected with Collagen Type VI-Related Disorders and no experimental evidence demonstrating its impact on protein function have been reported. No submitters have cited clinical-significance assessments for this variant to ClinVar. Based on the evidence outlined above, the variant was classified as uncertain significance.